The following is an entry in ClinVar:

NM_006642.5(SDCCAG8):c.1336C>T (p.Arg446Trp)

Gene: SDCCAG8 (SHH signaling and ciliogenesis regulator SDCCAG8; plus strand). Cytogenetic location: 1q43.
Variant type: single nucleotide variant.
Coding change: c.1336C>T on transcript NM_006642.5 (MANE Select); coding-DNA position 1336, C replaced by T.
Protein change: p.Arg446Trp; replaces arginine 446 with tryptophan.
Molecular consequence: missense variant.
Genome position (GRCh38, 1-based): chr1:243,341,153, C>T. VCF-style: chr1-243341153-C-T. GRCh37 (hg19) VCF-style: chr1-243504455-C-T.
Other names: c.433C>T, p.Arg145Trp (NM_001350246.2, NM_001350247.2, NM_001350251.2); c.1432C>T, p.Arg478Trp (NM_001350248.2); c.1042C>T, p.Arg348Trp (NM_001350249.2); short protein forms R145W, R348W, R446W, R478W.
Identifiers: ClinVar variation 1379538 (VCV001379538.9), dbSNP rs769286565, ClinGen allele CA1483612.

ClinVar aggregate classification (germline): Uncertain significance. Review status: criteria provided, multiple submitters, no conflicts (2 of 4 stars). 2 submissions from 2 submitters: Uncertain significance (2). Last evaluated 2024-03-06.

Conditions:
Senior-Loken syndrome 7 (SLSN7). Identifiers: Orphanet 3156, MedGen C3150877, MONDO:0013326, OMIM 613615.
Bardet-Biedl syndrome 16 (BBS16). Identifiers: Orphanet 110, MedGen C3889474, MONDO:0014444, OMIM 615993.

Allele frequency attached by ClinVar (database versions not stated): TOPMed below 0.00001; gnomAD 0.00001; ExAC 0.00002; gnomAD exomes 0.00002.
gnomAD v4.1: 8 of 1,613,840 alleles (0.0005%); highest among the groups gnomAD compares: East Asian, 0.0022%; no homozygotes.

Submissions (2):

Fulgent Genetics
Classification: Uncertain significance for Senior-Loken syndrome 7; Bardet-Biedl syndrome 16. Last evaluated: 2024-03-06. Review status: criteria provided, single submitter. Criteria: ACMG Guidelines, 2015. Collection method: clinical testing. Allele origin: germline.

Labcorp Genetics (formerly Invitae), Labcorp
Classification: Uncertain significance for Bardet-Biedl syndrome 16; Senior-Loken syndrome 7. Last evaluated: 2022-02-24. Review status: criteria provided, single submitter. Criteria: Invitae Variant Classification Sherloc (09022015). Collection method: clinical testing. Allele origin: germline.
Comment: In summary, the available evidence is currently insufficient to determine the role of this variant in disease. Therefore, it has been classified as a Variant of Uncertain Significance. Algorithms developed to predict the effect of missense changes on protein structure and function are either unavailable or do not agree on the potential impact of this missense change (SIFT: "Deleterious"; PolyPhen-2: "Possibly Damaging"; Align-GVGD: "Class C0"). This variant has not been reported in the literature in individuals affected with SDCCAG8-related conditions. This variant is present in population databases (rs769286565, gnomAD 0.006%). This sequence change replaces arginine, which is basic and polar, with tryptophan, which is neutral and slightly polar, at codon 446 of the SDCCAG8 protein (p.Arg446Trp).